The following is an entry in ClinVar:

NM_000138.5(FBN1):c.2678-3C>G

Gene: FBN1 (fibrillin 1; minus strand). Cytogenetic location: 15q21.1.
Variant type: single nucleotide variant.
Coding change: c.2678-3C>G on transcript NM_000138.5 (MANE Select); 3 bases into the intron before coding-DNA position 2678, C replaced by G.
Molecular consequence: intron variant.
Genome position (GRCh38, 1-based): chr15:48,494,257, G>C on the plus strand (C>G on the coding strand, the complement: FBN1 is on the minus strand). VCF-style: chr15-48494257-G-C. GRCh37 (hg19) VCF-style: chr15-48786454-G-C.
Identifiers: ClinVar variation 381102 (VCV000381102.8), dbSNP rs747274959, ClinGen allele CA16606724.

ClinVar aggregate classification (germline): Conflicting classifications of pathogenicity. Review status: criteria provided, conflicting classifications (1 of 4 stars). 2 submissions from 2 submitters: Likely pathogenic (1); Uncertain significance (1). Last evaluated 2026-05-18.

Conditions:
Familial thoracic aortic aneurysm and aortic dissection (TAAD). Also called: Thoracic aortic aneurysms and dissections. Identifiers: Orphanet 91387, MedGen C4707243, MONDO:0019625.

Submissions (2):

Ambry Genetics
Classification: Uncertain significance for Familial thoracic aortic aneurysm and aortic dissection. Last evaluated: 2026-05-18. Review status: criteria provided, single submitter. Criteria: Ambry Variant Classification Scheme 2023. Collection method: clinical testing. Allele origin: germline.
Comment: The c.2678-3C>G intronic variant results from a C to G substitution 3 nucleotides upstream from coding exon 22 in the FBN1 gene. This variant was reported in individual(s) with features consistent with Marfan syndrome (Ambry internal data). This nucleotide position is not well conserved in available vertebrate species. In silico splice site analysis predicts that this alteration will weaken the native splice acceptor site and will result in the creation or strengthening of a novel splice acceptor site. Based on the available evidence, the clinical significance of this variant remains unclear.

GeneDx
Classification: Likely pathogenic. Last evaluated: 2020-03-24. Review status: criteria provided, single submitter. Criteria: GeneDx Variant Classification Process June 2021. Collection method: clinical testing. Allele origin: germline. Affected: yes.
Comment: Has not been previously published as pathogenic or benign to our knowledge; Not observed in large population cohorts (Lek et al., 2016); In silico analysis, which includes splice predictors and evolutionary conservation, supports a deleterious effect; however, in the absence of RNA/functional studies, the actual effect of this sequence change is unknown; Reported in ClinVar but additional evidence is not available (ClinVar Variant ID# 381102; Landrum et al., 2016)